The following is an entry in ClinVar:

NM_144964.4(TRMT10B):c.866A>T (p.Tyr289Phe)

Genes: EXOSC3 (exosome component 3; minus strand), TRMT10B (tRNA methyltransferase 10B; plus strand). Cytogenetic location: 9p13.2.
Variant type: single nucleotide variant.
Coding change: c.866A>T on transcript NM_144964.4 (MANE Select); coding-DNA position 866, A replaced by T.
Protein change: p.Tyr289Phe; replaces tyrosine 289 with phenylalanine.
Molecular consequence: missense variant. On other transcripts: non-coding transcript variant (1), intron variant (4).
Genome position (GRCh38, 1-based): chr9:37,777,622, A>T. VCF-style: chr9-37777622-A-T. GRCh37 (hg19) VCF-style: chr9-37777619-A-T.
Other names: c.581A>T, p.Tyr194Phe (NM_001286951.2); c.692-6A>T (NM_001286950.2); c.512-6A>T (NM_001286954.2, NM_001286953.2); c.611-6A>T (NM_001286952.2); short protein forms Y194F, Y289F.
Identifiers: ClinVar variation 801361 (VCV000801361.25), dbSNP rs199618338, ClinGen allele CA5062606.
Genomic context (GRCh38, chr9:37,777,622, plus strand): 5'-CCTCTGTGGTCACTGTGTTTTCTGTTTACTCTCTAACAGTGTTTGATATCCTGTCCACTT[A>T]CTTAGAGACTCACAACTGGCCTGAAGCATTGAAGAAAGGAGTTTCTTCAGGAAAAGGCTA-3'
Protein context (NP_659401.2, residues 279-299): INQVFDILST[Tyr289Phe]LETHNWPEAL

ClinVar aggregate classification (germline): Likely benign. Review status: criteria provided, multiple submitters, no conflicts (2 of 4 stars). 2 submissions from 2 submitters: Likely benign (2). Last evaluated 2025-06-01.

Allele frequency attached by ClinVar (database versions not stated): 1000 Genomes Project 30x 0.00031; 1000 Genomes Project 0.00040; TOPMed 0.00135; ExAC 0.00197; gnomAD exomes 0.00210 and 0.00239; gnomAD 0.00213 and 0.00220.
gnomAD v4.1: 3,821 of 1,613,658 alleles (0.24%); highest among the groups gnomAD compares: Non-Finnish European, 0.25%; 12 homozygotes.

Submissions (2):

CeGaT Center for Human Genetics Tuebingen
Classification: Likely benign. Last evaluated: 2025-06-01. Review status: criteria provided, single submitter. Criteria: CeGaT Center For Human Genetics Tuebingen Variant Classification Criteria Version 2. Collection method: clinical testing. Allele origin: germline. Affected: yes. Observed: 2 variant alleles.
Comment: EXOSC3: BS2

Mendelics
Classification: Likely benign. Last evaluated: 2019-05-28. Review status: criteria provided, single submitter. Criteria: Mendelics Assertion Criteria 2017. Collection method: clinical testing. Allele origin: unknown.